The following is an entry in ClinVar:

NM_005876.5(SPEG):c.6076C>G (p.Arg2026Gly)

Genes: ASIC4-AS1 (ASIC4 antisense RNA 1; minus strand), SPEG (striated muscle enriched protein kinase; plus strand). Cytogenetic location: 2q35.
Variant type: single nucleotide variant.
Coding change: c.6076C>G on transcript NM_005876.5 (MANE Select); coding-DNA position 6076, C replaced by G.
Protein change: p.Arg2026Gly; replaces arginine 2026 with glycine.
Molecular consequence: missense variant.
Genome position (GRCh38, 1-based): chr2:219,483,539, C>G. VCF-style: chr2-219483539-C-G. GRCh37 (hg19) VCF-style: chr2-220348261-C-G.
Other names: p.Arg2026Gly; short protein forms R2026G.
Identifiers: ClinVar variation 281218 (VCV000281218.61), dbSNP rs531879999, ClinGen allele CA2126996.

ClinVar aggregate classification (germline): Conflicting classifications of pathogenicity. Review status: criteria provided, conflicting classifications (1 of 4 stars). 10 submissions from 10 submitters: Uncertain significance (4); Benign (1); Likely benign (2). 3 of the submissions do not count toward it. Last evaluated 2026-01-28.

Conditions:
SPEG-related disorder. Also called: SPEG-related condition.

Allele frequency attached by ClinVar (database versions not stated): 1000 Genomes Project 0.00040; 1000 Genomes Project 30x 0.00078; gnomAD exomes 0.00169; TOPMed 0.00216; gnomAD 0.00229 and 0.00240; ExAC 0.01807.
gnomAD v4.1: 4,295 of 1,404,514 alleles (0.31%); highest among the groups gnomAD compares: Non-Finnish European, 0.35%; 6 homozygotes.

Submissions (10):

Labcorp Genetics (formerly Invitae), Labcorp
Classification: Benign. Last evaluated: 2026-01-28. Review status: criteria provided, single submitter. Criteria: Invitae Variant Classification Sherloc (09022015). Collection method: clinical testing. Allele origin: germline.

Blueprint Genetics
Classification: Likely benign. Last evaluated: 2024-11-26. Review status: criteria provided, single submitter. Criteria: ACMG Guidelines, 2015. Collection method: clinical testing. Allele origin: germline.

GeneDx
Classification: Uncertain significance. Last evaluated: 2021-03-04. Review status: criteria provided, single submitter. Criteria: GeneDx Variant Classification Process June 2021. Collection method: clinical testing. Allele origin: germline. Affected: yes.
Comment: In silico analysis supports that this missense variant does not alter protein structure/function; Has not been previously published as pathogenic or benign to our knowledge

Genetic Services Laboratory, University of Chicago
Classification: Likely benign. Last evaluated: 2020-04-29. Review status: criteria provided, single submitter. Criteria: ACMG Guidelines, 2015. Collection method: clinical testing. Allele origin: germline. Affected: no.

Mayo Clinic Laboratories, Mayo Clinic
Classification: Uncertain significance. Last evaluated: 2018-12-10. Review status: criteria provided, single submitter. Criteria: ACMG Guidelines, 2015. Collection method: clinical testing. Allele origin: germline.

CeGaT Center for Human Genetics Tuebingen
Classification: Uncertain significance. Last evaluated: 2017-04-01. Review status: criteria provided, single submitter. Criteria: CeGaT Center For Human Genetics Tuebingen Variant Classification Criteria Version 2. Collection method: clinical testing. Allele origin: germline. Affected: yes. Observed: 1 variant allele.

Eurofins Ntd Llc (ga)
Classification: Uncertain significance. Last evaluated: 2017-02-13. Review status: criteria provided, single submitter. Criteria: EGL Classification Definitions 2015. Collection method: clinical testing. Allele origin: germline. Observed: 1 variant allele, 1 heterozygote.

PreventionGenetics, part of Exact Sciences
Classification: Likely benign for SPEG-related condition. Last evaluated: 2019-05-20. Review status: no assertion criteria provided. Collection method: clinical testing. Allele origin: germline. Not counted in ClinVar's aggregate classification.
Comment: This variant is classified as likely benign based on ACMG/AMP sequence variant interpretation guidelines (Richards et al. 2015 PMID: 25741868, with internal and published modifications).

Clinical Genetics DNA and cytogenetics Diagnostics Lab, Erasmus MC, Erasmus Medical Center
Classification: Benign. Review status: no assertion criteria provided. Collection method: clinical testing. Allele origin: germline. Affected: yes. Study: VKGL Data-share Consensus. Not counted in ClinVar's aggregate classification.

Genome Diagnostics Laboratory, University Medical Center Utrecht
Classification: Likely benign. Review status: no assertion criteria provided. Collection method: clinical testing. Allele origin: germline. Affected: yes. Study: VKGL Data-share Consensus. Not counted in ClinVar's aggregate classification.